The following is an entry in ClinVar:

ClinVar aggregate classification (germline): Likely benign (1 of 4 stars; one submission).

gnomAD v4.1: 2 of 1,614,240 alleles (0.00012%); highest among the groups gnomAD compares: Non-Finnish European, 0.00017%; no homozygotes.

Submission:

CeGaT Center for Human Genetics Tuebingen
Classification: Likely benign. Last evaluated: 2026-07-01. Review status: criteria provided, single submitter. Criteria: CeGaT Center For Human Genetics Tuebingen Variant Classification Criteria Version 2. Collection method: clinical testing. Allele origin: germline. Affected: yes. Observed: 1 variant allele.
Comment: ZFHX3: BP4, BP7

NM_006885.4(ZFHX3):c.9831C>A (p.Pro3277=)

Genes: ZFHX3 (zinc finger homeobox 3; minus strand), ZFHX3-AS1 (ZFHX3 antisense RNA 1; plus strand). Cytogenetic location: 16q22.2.
Variant type: single nucleotide variant.
Coding change: c.9831C>A on transcript NM_006885.4 (MANE Select); coding-DNA position 9831, C replaced by A.
Protein change: p.Pro3277=; no amino-acid change (proline 3277 retained).
Molecular consequence: synonymous variant.
Genome position (GRCh38, 1-based): chr16:72,788,445, G>T on the plus strand (C>A on the coding strand, the complement: ZFHX3 is on the minus strand). VCF-style: chr16-72788445-G-T. GRCh37 (hg19) VCF-style: chr16-72822344-G-T.
Other names: c.7089C>A, p.Pro2363= (NM_001164766.2); c.9831C>A, p.Pro3277= (NM_001386735.1).
Identifiers: ClinVar variation 5039202 (VCV005039202.1).